The following is an entry in ClinVar:

ClinVar aggregate classification (germline): Uncertain significance (1 of 4 stars; one submission).

gnomAD v4.1: 10 of 1,613,878 alleles (0.00062%); highest among the groups gnomAD compares: South Asian, 0.0011%; no homozygotes.

Submission:

Labcorp Genetics (formerly Invitae), Labcorp
Classification: Uncertain significance. Last evaluated: 2022-02-04. Review status: criteria provided, single submitter. Criteria: Invitae Variant Classification Sherloc (09022015). Collection method: clinical testing. Allele origin: germline.
Comment: This variant is not present in population databases (gnomAD no frequency). In summary, the available evidence is currently insufficient to determine the role of this variant in disease. Therefore, it has been classified as a Variant of Uncertain Significance. Algorithms developed to predict the effect of sequence changes on RNA splicing suggest that this variant may create or strengthen a splice site. Algorithms developed to predict the effect of missense changes on protein structure and function (SIFT, PolyPhen-2, Align-GVGD) all suggest that this variant is likely to be disruptive. This variant has not been reported in the literature in individuals affected with ADGRA3-related conditions. This sequence change replaces asparagine, which is neutral and polar, with lysine, which is basic and polar, at codon 643 of the ADGRA3 protein (p.Asn643Lys).

NM_145290.4(ADGRA3):c.1929T>G (p.Asn643Lys)

Gene: ADGRA3 (adhesion G protein-coupled receptor A3; minus strand). Cytogenetic location: 4p15.2.
Variant type: single nucleotide variant.
Coding change: c.1929T>G on transcript NM_145290.4 (MANE Select); coding-DNA position 1929, T replaced by G.
Protein change: p.Asn643Lys; replaces asparagine 643 with lysine.
Molecular consequence: missense variant.
Genome position (GRCh38, 1-based): chr4:22,413,695, A>C on the plus strand (T>G on the coding strand, the complement: ADGRA3 is on the minus strand). VCF-style: chr4-22413695-A-C. GRCh37 (hg19) VCF-style: chr4-22415318-A-C.
Other names: short protein forms N643K.
Identifiers: ClinVar variation 1421468 (VCV001421468.6), dbSNP rs960047931, ClinGen allele CA356480138.